The following is an entry in ClinVar:

ClinVar aggregate classification (germline): Pathogenic/Likely pathogenic. Review status: criteria provided, multiple submitters, no conflicts (2 of 4 stars). 2 submissions from 2 submitters: Pathogenic (1); Likely pathogenic (1). Last evaluated 2023-11-13.

Conditions:
DNAH5-related disorders.
Primary ciliary dyskinesia. Also called: Ciliary dyskinesia. Identifiers: Orphanet 244, MedGen C0008780, MONDO:0016575, HP:0012265.

Submissions (2):

Blueprint Genetics
Classification: Likely pathogenic for DNAH5-related disorders. Last evaluated: 2023-11-13. Review status: criteria provided, single submitter. Criteria: ACMG Guidelines, 2015. Collection method: clinical testing. Allele origin: germline. Affected: yes. Observed: 2 variant alleles.

Labcorp Genetics (formerly Invitae), Labcorp
Classification: Pathogenic for Primary ciliary dyskinesia. Last evaluated: 2023-02-11. Review status: criteria provided, single submitter. Criteria: Invitae Variant Classification Sherloc (09022015). Collection method: clinical testing. Allele origin: germline.
Comment: This sequence change creates a premature translational stop signal (p.Glu117Argfs*32) in the DNAH5 gene. It is expected to result in an absent or disrupted protein product. Loss-of-function variants in DNAH5 are known to be pathogenic (PMID: 11788826, 16627867). This variant is not present in population databases (gnomAD no frequency). This variant has not been reported in the literature in individuals affected with DNAH5-related conditions. Algorithms developed to predict the effect of sequence changes on RNA splicing suggest that this variant may create or strengthen a splice site. For these reasons, this variant has been classified as Pathogenic.

Literature cited by the submitters: PubMed 11788826 (cited by Labcorp Genetics (formerly Invitae), Labcorp); PubMed 16627867 (cited by Labcorp Genetics (formerly Invitae), Labcorp).

NM_001369.3(DNAH5):c.349del (p.Glu117fs)

Gene: DNAH5 (dynein axonemal heavy chain 5; minus strand). Cytogenetic location: 5p15.2.
Variant type: Deletion.
Coding change: c.349del on transcript NM_001369.3 (MANE Select); coding-DNA position 349, one base deleted (G; older notation c.349delG).
Protein change: p.Glu117fs; shifts the reading frame from glutamic acid 117.
Molecular consequence: frameshift variant.
Genome position (GRCh38, 1-based): chr5:13,923,369, C deleted on the plus strand (G on the coding strand, the reverse complement: DNAH5 is on the minus strand). VCF-style (leftmost placement, unchanged base first): chr5-13923368-TC-T. GRCh37 (hg19) VCF-style: chr5-13923477-TC-T.
Other names: short protein forms E117fs.
Identifiers: ClinVar variation 2741927 (VCV002741927.4), dbSNP rs1580909690, ClinGen allele CA917418563.